The following is an entry in ClinVar:

NM_000321.3(RB1):c.73C>T (p.Pro25Ser)

Gene: RB1 (RB transcriptional corepressor 1; plus strand). Cytogenetic location: 13q14.2.
Variant type: single nucleotide variant.
Coding change: c.73C>T on transcript NM_000321.3 (MANE Select); coding-DNA position 73, C replaced by T.
Protein change: p.Pro25Ser; replaces proline 25 with serine.
Molecular consequence: missense variant.
Genome position (GRCh38, 1-based): chr13:48,303,985, C>T. VCF-style: chr13-48303985-C-T. GRCh37 (hg19) VCF-style: chr13-48878121-C-T.
Other names: short protein forms P25S.
Identifiers: ClinVar variation 1433808 (VCV001433808.7), dbSNP rs1566174119, ClinGen allele CA388250271.

ClinVar aggregate classification (germline): Uncertain significance. Review status: criteria provided, multiple submitters, no conflicts (2 of 4 stars). 2 submissions from 2 submitters: Uncertain significance (2). Last evaluated 2023-10-02.

Conditions:
Retinoblastoma (RB1). Also called: RETINOBLASTOMA, SOMATIC. Identifiers: Orphanet 790, MedGen C0035335, MeSH D012175, MONDO:0008380, OMIM 180200, HP:0009919. Disease mechanism: loss of function. Inheritance: Both sporadic and heritable forms are tested..

Allele frequency attached by ClinVar (database versions not stated): gnomAD exomes below 0.00001 and 0.00001.
gnomAD v4.1: 2 of 1,499,392 alleles (0.00013%); highest among the groups gnomAD compares: Non-Finnish European, 0.00018%; no homozygotes.

Submissions (2):

All of Us Research Program, National Institutes of Health
Classification: Uncertain significance for Retinoblastoma. Last evaluated: 2023-10-02. Review status: criteria provided, single submitter. Criteria: ACMG Guidelines, 2015. Collection method: clinical testing. Allele origin: germline. Inheritance: Autosomal dominant inheritance. Observed: 1 variant allele, 1 heterozygote.
Comment: This missense variant replaces proline with serine at codon 25 of the RB1 protein. Computational prediction suggests that this variant may not impact protein structure and function (internally defined REVEL score threshold <= 0.5, PMID: 27666373). To our knowledge, functional studies have not been reported for this variant. This variant has not been reported in individuals affected with RB1-related disorders in the literature. This variant has been identified in 1/95478 chromosomes in the general population by the Genome Aggregation Database (gnomAD). The available evidence is insufficient to determine the role of this variant in disease conclusively. Therefore, this variant is classified as a Variant of Uncertain Significance.

This study involves interpretation of variants in research participants for the purpose of population health screening. Participant phenotype was not available at the time of variant classification. Additional details can be found in publication PMID: 35346344, PMCID: PMC8962531

Labcorp Genetics (formerly Invitae), Labcorp
Classification: Uncertain significance for Retinoblastoma. Last evaluated: 2021-11-07. Review status: criteria provided, single submitter. Criteria: Invitae Variant Classification Sherloc (09022015). Collection method: clinical testing. Allele origin: germline.
Comment: This variant has not been reported in the literature in individuals affected with RB1-related conditions. This variant is not present in population databases (gnomAD no frequency). This sequence change replaces proline, which is neutral and non-polar, with serine, which is neutral and polar, at codon 25 of the RB1 protein (p.Pro25Ser). Algorithms developed to predict the effect of missense changes on protein structure and function output the following: SIFT: "Tolerated"; PolyPhen-2: "Not Available"; Align-GVGD: "Class C0". The serine amino acid residue is found in multiple mammalian species, which suggests that this missense change does not adversely affect protein function. In summary, the available evidence is currently insufficient to determine the role of this variant in disease. Therefore, it has been classified as a Variant of Uncertain Significance.